The following is an entry in ClinVar:

ClinVar aggregate classification (germline): Uncertain significance (1 of 4 stars; one submission).

Conditions:
DiGeorge syndrome. Also called: THIRD AND FOURTH PHARYNGEAL POUCH SYNDROME; Catch22. Identifiers: Orphanet 567, MedGen C0012236, MONDO:0008564, OMIM 188400.

Allele frequency attached by ClinVar (database versions not stated): gnomAD exomes 0.00001; gnomAD 0.00003; TOPMed 0.00003.

Submission:

Labcorp Genetics (formerly Invitae), Labcorp
Classification: Uncertain significance for DiGeorge syndrome. Last evaluated: 2025-12-24. Review status: criteria provided, single submitter. Criteria: Invitae Variant Classification Sherloc (09022015). Collection method: clinical testing. Allele origin: germline.
Comment: This sequence change replaces glycine, which is neutral and non-polar, with serine, which is neutral and polar, at codon 136 of the TBX1 protein (p.Gly136Ser). The frequency data for this variant in the population databases is considered unreliable, as metrics indicate poor data quality at this position in the gnomAD database. This variant has not been reported in the literature in individuals affected with TBX1-related conditions. ClinVar contains an entry for this variant (Variation ID: 1962690). Invitae Evidence Modeling of protein sequence and biophysical properties (such as structural, functional, and spatial information, amino acid conservation, physicochemical variation, residue mobility, and thermodynamic stability) indicates that this missense variant is expected to disrupt TBX1 protein function with a positive predictive value of 80%. In summary, the available evidence is currently insufficient to determine the role of this variant in disease. Therefore, it has been classified as a Variant of Uncertain Significance.

NM_001379200.1(TBX1):c.433G>A (p.Gly145Ser)

Gene: TBX1 (T-box transcription factor 1; plus strand). Cytogenetic location: 22q11.21.
Variant type: single nucleotide variant.
Coding change: c.433G>A on transcript NM_001379200.1 (MANE Select); coding-DNA position 433, G replaced by A.
Protein change: p.Gly145Ser; replaces glycine 145 with serine.
Molecular consequence: missense variant.
Genome position (GRCh38, 1-based): chr22:19,761,276, G>A. VCF-style: chr22-19761276-G-A. GRCh37 (hg19) VCF-style: chr22-19748799-G-A.
Other names: c.406G>A, p.Gly136Ser (NM_005992.1, NM_080646.2, NM_080647.1); short protein forms G136S, G145S.
Identifiers: ClinVar variation 1962690 (VCV001962690.5), dbSNP rs1159443341, ClinGen allele CA410681860.
Genomic context (GRCh38, chr22:19,761,276, plus strand): 5'-ATGAAGGCGCTGTGGGACGAGTTCAACCAGCTGGGCACCGAGATGATCGTCACCAAGGCC[G>A]GCAGGTCAGGGCGCCCCTCCCCACGCCGCGACCCTCCCCACGTGCTGCCGCCAGGGCTGC-3'
Protein context (NP_001366129.1, residues 135-155): LGTEMIVTKA[Gly145Ser]RRMFPTFQVK